The following is an entry in ClinVar:

NM_000080.4(CHRNE):c.1271_1290del (p.Val424fs)

Gene: CHRNE (cholinergic receptor nicotinic epsilon subunit; minus strand). Cytogenetic location: 17p13.2.
Variant type: Deletion.
Coding change: c.1271_1290del on transcript NM_000080.4 (MANE Select); coding-DNA positions 1271 to 1290, 20 bases deleted (TGGATGCCGTGAACTTCGTG).
Protein change: p.Val424fs; shifts the reading frame from valine 424.
Molecular consequence: frameshift variant.
Genome position (GRCh38, 1-based): chr17:4,899,037-4,899,056, CACGAAGTTCACGGCATCCA deleted on the plus strand (TGGATGCCGTGAACTTCGTG on the coding strand, the reverse complement: CHRNE is on the minus strand); deleting any 20 consecutive bases within chr17:4,899,037-4,899,059 gives the same sequence; the c. name uses the placement nearest the transcript's 3' end. VCF-style (leftmost placement, unchanged base first): chr17-4899036-CCACGAAGTTCACGGCATCCA-C. GRCh37 (hg19) VCF-style: chr17-4802331-CCACGAAGTTCACGGCATCCA-C.
Other names: short protein forms V424fs.
Identifiers: ClinVar variation 1456370 (VCV001456370.6), dbSNP rs2151093952, ClinGen allele CA2573152977.

ClinVar aggregate classification (germline): Pathogenic (1 of 4 stars; one submission).

Conditions:
Congenital myasthenic syndrome 4A. Also called: Myasthenic syndrome, congenital, 4a, slow-channel; CONGENITAL MYASTHENIC SYNDROME TYPE Ia1; MYASTHENIC SYNDROME, CONGENITAL, 4A, SLOW-CHANNEL, AUTOSOMAL RECESSIVE. Identifiers: Orphanet 590, MedGen C4225413, MONDO:0011600, OMIM 605809.

Submission:

Labcorp Genetics (formerly Invitae), Labcorp
Classification: Pathogenic for Congenital myasthenic syndrome 4A. Last evaluated: 2021-11-15. Review status: criteria provided, single submitter. Criteria: Invitae Variant Classification Sherloc (09022015). Collection method: clinical testing. Allele origin: germline.
Comment: For these reasons, this variant has been classified as Pathogenic. This variant disrupts a region of the CHRNE protein in which other variant(s) (p.Trp460*) have been determined to be pathogenic (Invitae). This suggests that this is a clinically significant region of the protein, and that variants that disrupt it are likely to be disease-causing. This variant has not been reported in the literature in individuals affected with CHRNE-related conditions. This variant is not present in population databases (gnomAD no frequency). This sequence change creates a premature translational stop signal (p.Val424Glyfs*25) in the CHRNE gene. While this is not anticipated to result in nonsense mediated decay, it is expected to disrupt the last 70 amino acid(s) of the CHRNE protein.